The following is an entry in ClinVar:

ClinVar aggregate classification (germline): Conflicting classifications of pathogenicity. Review status: criteria provided, conflicting classifications (1 of 4 stars). 5 submissions from 5 submitters: Uncertain significance (1); Likely benign (4). Last evaluated 2026-08-04.

Conditions:
CYP27A1-related disorder. Also called: CYP27A1-related condition.
Cholestanol storage disease (CTX). Also called: CTX: Cerebrotendinous xanthomatosis; Cerebrotendinous Xanthomatosis; CEREBRAL CHOLESTERINOSIS. Identifiers: Orphanet 909, MedGen C0238052, MONDO:0008948, OMIM 213700.
Cardiovascular phenotype. Identifiers: MedGen CN230736.

Allele frequency attached by ClinVar (database versions not stated): ExAC 0.00002; gnomAD 0.00002 and 0.00003; TOPMed 0.00002; gnomAD exomes 0.00003.
gnomAD v4.1: 41 of 1,614,212 alleles (0.0025%); highest among the groups gnomAD compares: African/African-American, 0.004%; no homozygotes.

Submissions (5):

PreventionGenetics, part of Exact Sciences
Classification: Likely benign for CYP27A1-related condition. Last evaluated: 2026-08-04. Review status: criteria provided, single submitter. Criteria: ACMG Guidelines, 2015. Collection method: clinical testing. Allele origin: germline.
Comment: This variant is classified as likely benign based on ACMG/AMP sequence variant interpretation guidelines (Richards et al. 2015 PMID: 25741868, with internal and published modifications).

Labcorp Genetics (formerly Invitae), Labcorp
Classification: Likely benign for Cholestanol storage disease. Last evaluated: 2025-12-09. Review status: criteria provided, single submitter. Criteria: Invitae Variant Classification Sherloc (09022015). Collection method: clinical testing. Allele origin: germline.

Blueprint Genetics
Classification: Likely benign. Last evaluated: 2024-03-05. Review status: criteria provided, single submitter. Criteria: ACMG Guidelines, 2015. Collection method: clinical testing. Allele origin: germline.

Ambry Genetics
Classification: Likely benign for Cardiovascular phenotype. Last evaluated: 2019-11-11. Review status: criteria provided, single submitter. Criteria: Ambry Variant Classification Scheme 2023. Collection method: clinical testing. Allele origin: germline.

Illumina Laboratory Services, Illumina
Classification: Uncertain significance for Cholestanol storage disease. Last evaluated: 2018-01-13. Review status: criteria provided, single submitter. Criteria: ICSL Variant Classification Criteria 13 December 2019. Collection method: clinical testing. Allele origin: germline.

NM_000784.4(CYP27A1):c.507G>A (p.Ala169=)

Gene: CYP27A1 (cytochrome P450 family 27 subfamily A member 1; plus strand). Cytogenetic location: 2q35.
Variant type: single nucleotide variant.
Coding change: c.507G>A on transcript NM_000784.4 (MANE Select); coding-DNA position 507, G replaced by A.
Protein change: p.Ala169=; no amino-acid change (alanine 169 retained).
Molecular consequence: synonymous variant.
Genome position (GRCh38, 1-based): chr2:218,812,282, G>A. VCF-style: chr2-218812282-G-A. GRCh37 (hg19) VCF-style: chr2-219677005-G-A.
Identifiers: ClinVar variation 897645 (VCV000897645.16), dbSNP rs776260288, ClinGen allele CA2112630.